The following is an entry in ClinVar:

ClinVar aggregate classification (germline): Conflicting classifications of pathogenicity. Review status: criteria provided, conflicting classifications (1 of 4 stars). 6 submissions from 6 submitters: Likely pathogenic (5); Uncertain significance (1). Last evaluated 2026-01-19.

Conditions:
Fanconi anemia (FA). Also called: Fanconi's anemia. Identifiers: Orphanet 84, MedGen C0015625, MeSH D005199, MONDO:0019391.
Inborn genetic diseases. Identifiers: MedGen C0950123, MeSH D030342.
Fanconi anemia complementation group L (FANCL). Also called: FANCL-Related Fanconi Anemia. Identifiers: Orphanet 84, MedGen C3469528, MONDO:0013566, OMIM 614083.

Submissions (6):

Labcorp Genetics (formerly Invitae), Labcorp
Classification: Likely pathogenic for Fanconi anemia. Last evaluated: 2026-01-19. Review status: criteria provided, single submitter. Criteria: Invitae Variant Classification Sherloc (09022015). Collection method: clinical testing. Allele origin: germline.
Comment: This sequence change creates a premature translational stop signal (p.Ser351Phefs*2) in the FANCL gene. While this is not anticipated to result in nonsense mediated decay, it is expected to disrupt the last 25 amino acid(s) of the FANCL protein. This variant is present in population databases (rs765729177, gnomAD 0.05%). This premature translational stop signal has been observed in individual(s) with head and neck squamous cell carcinoma (PMID: 28678401, 30306255, 30625039, 36451132). This variant is also known as c.1049_1050del (p.Q355fs) and c.1066_1067del (p.Ser356Phefs*2). Algorithms developed to predict the effect of sequence changes on RNA splicing suggest that this variant may disrupt the consensus splice site. This variant disrupts the RING/PHD finger domain of the FANCL protein, which is necessary for FANCL interaction with UBE2T and UBE2W, and subsequent monoubiquitination of FANCD2 (PMID: 16474167, 16916645, 21775430, 24389026). While functional studies have not been performed to directly test the effect of this variant on FANCL protein function, this suggests that disruption of this region of the protein is causative of disease. In summary, the currently available evidence indicates that the variant is pathogenic, but additional data are needed to prove that conclusively. Therefore, this variant has been classified as Likely Pathogenic.

Dasa
Classification: Likely pathogenic. Last evaluated: 2025-07-01. Review status: criteria provided, single submitter. Criteria: DASA Assertion Criteria. Collection method: clinical testing. Allele origin: germline.
Comment: NM_018062.4(FANCL):c.1051_1052del (p.Ser351Phefs*2) is a frameshift variant in FANCL predicted to alter the reading frame and introduce a premature termination codon and is predicted to result in an absent or altered protein product. Loss of function is an established disease mechanism for FANCL-associated disorders. This variant has been recurrently observed in individuals with FANCL-related disorders (PMID: 29625052; PMID: 30306255; PMID: 26689913; PMID: 28678401). Published studies describe this variant in association with related phenotype (PMID: 29625052; PMID: 30306255; PMID: 26689913; PMID: 28678401; PMID: 12973351). Also, this variant is rare in population databases. Based on the currently available evidence, this variant is classified as likely pathogenic.

Baylor Genetics
Classification: Likely pathogenic for Fanconi anemia complementation group L. Last evaluated: 2024-03-25. Review status: criteria provided, single submitter. Criteria: ACMG Guidelines, 2015. Collection method: clinical testing. Allele origin: unknown.

Fulgent Genetics
Classification: Likely pathogenic for Fanconi anemia complementation group L. Last evaluated: 2024-02-22. Review status: criteria provided, single submitter. Criteria: ACMG Guidelines, 2015. Collection method: clinical testing. Allele origin: germline.

Sema4
Classification: Uncertain significance for Fanconi anemia. Last evaluated: 2021-06-24. Review status: criteria provided, single submitter. Criteria: Sema4 Curation Guidelines. Collection method: curation. Allele origin: germline.
Comment: The FANCL c.1051_1052delAG (p.S351FfsX2) variant has been reported in individuals with lung adenocarcinoma, head and neck carcinoma and in a case clinically suspicious of hereditary breast/ovarian cancer (PMID: 29625052, 30306255, 26689913, 28678401). As this variant is not predicted to cause nonsense-mediated decay, the protein product is expected to be truncated. It was observed in 18/34580 chromosomes of the Latino subpopulation in the large and broad cohorts of the Genome Aggregation Database (PMID: 32461654). The variant has been reported in ClinVar (Variation ID 408227). The evidence is insufficient to meet ACMG/AMP criteria for classifying the variant as benign or pathogenic. Thus, the clinical significance of this variant is currently uncertain.

Ambry Genetics
Classification: Likely pathogenic for Inborn genetic diseases. Last evaluated: 2017-08-23. Review status: criteria provided, single submitter. Criteria: Ambry exome assertion method (8-5-2015). Collection method: clinical testing. Allele origin: germline. Affected: yes. Observed: 1 variant allele.

Literature cited by the submitters: PubMed 28678401 (cited by 3 submitters); PubMed 30306255 (cited by 3 submitters); PubMed 30625039 (cited by Labcorp Genetics (formerly Invitae), Labcorp); PubMed 36451132 (cited by Labcorp Genetics (formerly Invitae), Labcorp); PubMed 16474167 (cited by Labcorp Genetics (formerly Invitae), Labcorp); PubMed 16916645 (cited by Labcorp Genetics (formerly Invitae), Labcorp); PubMed 21775430 (cited by Labcorp Genetics (formerly Invitae), Labcorp); PubMed 24389026 (cited by Labcorp Genetics (formerly Invitae), Labcorp and Dasa); PubMed 29625052 (cited by Dasa and Sema4); PubMed 26689913 (cited by Dasa and Sema4); PubMed 12973351 (cited by Dasa); PubMed 17938197 (cited by Dasa and Ambry Genetics); PubMed 19111657 (cited by Dasa and Ambry Genetics); PubMed 26149689 (cited by Dasa); PubMed 19405097 (cited by Ambry Genetics).

NM_018062.4(FANCL):c.1051_1052del (p.Ser351fs)

Gene: FANCL (FA complementation group L; minus strand). Cytogenetic location: 2p16.1.
Variant type: Microsatellite.
Coding change: c.1051_1052del on transcript NM_018062.4 (MANE Select); coding-DNA positions 1051 to 1052, 2 bases deleted (AG; older notation c.1051_1052delAG).
Protein change: p.Ser351fs; shifts the reading frame from serine 351.
Molecular consequence: frameshift variant.
Genome position (GRCh38, 1-based): chr2:58,160,148-58,160,149, CT deleted on the plus strand (AG on the coding strand, the reverse complement: FANCL is on the minus strand); deleting any 2 consecutive bases within chr2:58,160,148-58,160,151 gives the same sequence; the c. name uses the placement nearest the transcript's 3' end. VCF-style (leftmost placement, unchanged base first): chr2-58160147-ACT-A. GRCh37 (hg19) VCF-style: chr2-58387282-ACT-A.
Other names: c.1064_1065AG[1], p.Ser356Phefs (NM_001114636.2); c.1096_1097del, p.Ser366fs (NM_001374615.1); c.1111_1112del, p.Ser371fs (NM_001410792.1); c.1051_1052delAG (NM_018062.3); short protein forms S351fs, S356fs, S366fs, S371fs.
Identifiers: ClinVar variation 408227 (VCV000408227.17), dbSNP rs750871999, ClinGen allele CA1670319.